The following is an entry in ClinVar:

ClinVar aggregate classification (germline): Uncertain significance. Review status: criteria provided, multiple submitters, no conflicts (2 of 4 stars). 2 submissions from 2 submitters: Uncertain significance (2). Last evaluated 2025-05-29.

gnomAD v4.1: 71 of 1,612,490 alleles (0.0044%); highest among the groups gnomAD compares: Non-Finnish European, 0.006%; no homozygotes.

Submissions (2):

Ambry Genetics
Classification: Uncertain significance. Last evaluated: 2025-05-29. Review status: criteria provided, single submitter. Criteria: Ambry Variant Classification Scheme 2023. Collection method: clinical testing. Allele origin: germline.

Labcorp Genetics (formerly Invitae), Labcorp
Classification: Uncertain significance. Last evaluated: 2025-02-07. Review status: criteria provided, single submitter. Criteria: Invitae Variant Classification Sherloc (09022015). Collection method: clinical testing. Allele origin: germline.
Comment: This sequence change replaces valine, which is neutral and non-polar, with leucine, which is neutral and non-polar, at codon 841 of the LIG1 protein (p.Val841Leu). This variant is present in population databases (rs370645196, gnomAD 0.003%). This variant has not been reported in the literature in individuals affected with LIG1-related conditions. An algorithm developed to predict the effect of missense changes on protein structure and function (PolyPhen-2) suggests that this variant is likely to be disruptive. In summary, the available evidence is currently insufficient to determine the role of this variant in disease. Therefore, it has been classified as a Variant of Uncertain Significance.

NM_000234.3(LIG1):c.2521G>C (p.Val841Leu)

Gene: LIG1 (DNA ligase 1; minus strand). Cytogenetic location: 19q13.33.
Variant type: single nucleotide variant.
Coding change: c.2521G>C on transcript NM_000234.3 (MANE Select); coding-DNA position 2521, G replaced by C.
Protein change: p.Val841Leu; replaces valine 841 with leucine.
Molecular consequence: missense variant. On other transcripts: non-coding transcript variant (6).
Genome position (GRCh38, 1-based): chr19:48,117,700, C>G on the plus strand (G>C on the coding strand, the complement: LIG1 is on the minus strand). VCF-style: chr19-48117700-C-G. GRCh37 (hg19) VCF-style: chr19-48620957-C-G.
Other names: c.2428G>C, p.Val810Leu (NM_001289063.2); c.2317G>C, p.Val773Leu (NM_001289064.2); c.2518G>C, p.Val840Leu (NM_001320970.2); c.2431G>C, p.Val811Leu (NM_001320971.2); short protein forms V773L, V840L, V841L, V810L, V811L.
Identifiers: ClinVar variation 4047177 (VCV004047177.2).